The following is an entry in ClinVar:

ClinVar aggregate classification (germline): Likely pathogenic (1 of 4 stars; one submission).

Conditions:
Familial X-linked hypophosphatemic vitamin D refractory rickets (XLHRD). Also called: Hypophosphatemic Rickets, X-Linked Dominant; Hypophosphatemia, vitamin D-resistant rickets; Vitamin D-resistant rickets, X-linked; X-Linked Hypophosphatemia; HYPOPHOSPHATEMIC VITAMIN D-RESISTANT RICKETS. Identifiers: Orphanet 89936, MedGen C0733682, MONDO:0010619, OMIM 307800.

Submission:

Clinical Biomedical Laboratory, Shriners Hospital For Children - Canada
Classification: Likely pathogenic for Familial X-linked hypophosphatemic vitamin D refractory rickets. Last evaluated: 2025-01-20. Review status: criteria provided, single submitter. Criteria: ACMG Guidelines, 2015. Collection method: clinical testing. Allele origin: de novo. Inheritance: X-linked dominant inheritance. Affected: yes. Observed: 1 heterozygote.
Comment: This variant is predicted to substitute a leucine residue by a phenylalanine residue in exon 2 of PHEX and introduce a stop codon 6 amino acids downstream. This is expected to lead to degradation of the affected transcript. Frameshift variants introducing a premature stop codon in PHEX are associated with X-linked hypophosphatemic rickets. Heterozygous loss-of-function variants in PHEX are an established cause of X-linked hypophosphatemic rickets (PMID 34806794). This variant has not been observed in a large study on apparently healthy adults (Genome Aggregation Database, v2.1.1.), indicating it is not a common finding. This variant is not reported in ClinVar. Based on the ACMG variant interpretation guidelines (criteria PVS1, PM2),

Literature cited by the submitters: PubMed 34806794.

NM_000444.6(PHEX):c.134dup (p.Leu45fs)

Gene: PHEX (phosphate regulating endopeptidase X-linked; plus strand). Cytogenetic location: Xp22.11.
Variant type: Duplication.
Coding change: c.134dup on transcript NM_000444.6 (MANE Select); coding-DNA position 134, one base duplicated (T; older notation c.134dupT).
Protein change: p.Leu45fs; shifts the reading frame from leucine 45.
Molecular consequence: frameshift variant.
Genome position (GRCh38, 1-based): chrX:22,038,484, T duplicated; the last of 2 consecutive T bases (chrX:22,038,483-22,038,484); duplicating either gives the same sequence. VCF-style (leftmost placement, unchanged base first): chrX-22038482-C-CT. GRCh37 (hg19) VCF-style: chrX-22056600-C-CT.
Other names: p.Leu45PhefsTer6; c.134dup, p.Leu45fs (NM_001282754.2); short protein forms L45fs.
Identifiers: ClinVar variation 3773876 (VCV003773876.2).